The following is an entry in ClinVar:

ClinVar aggregate classification (germline): Likely benign. Review status: criteria provided, multiple submitters, no conflicts (2 of 4 stars). 3 submissions from 3 submitters: Likely benign (3). Last evaluated 2025-10-23.

Conditions:
Cardiovascular phenotype. Identifiers: MedGen CN230736.
Cardiomyopathy (CMYO). Also called: Cardiomyopathies. Identifiers: Orphanet 167848, MedGen C0878544, MONDO:0004994, HP:0001638. Inheritance: Various modes of inheritance.

Allele frequency attached by ClinVar (database versions not stated): gnomAD exomes below 0.00001.
gnomAD v4.1: 2 of 1,614,190 alleles (0.00012%); highest among the groups gnomAD compares: South Asian, 0.0011%; no homozygotes.

Submissions (3):

Ambry Genetics
Classification: Likely benign for Cardiovascular phenotype. Last evaluated: 2025-10-23. Review status: criteria provided, single submitter. Criteria: Ambry Variant Classification Scheme 2023. Collection method: clinical testing. Allele origin: germline.

All of Us Research Program, National Institutes of Health
Classification: Likely benign for Cardiomyopathy. Last evaluated: 2023-06-08. Review status: criteria provided, single submitter. Criteria: ACMG Guidelines, 2015. Collection method: clinical testing. Allele origin: germline. Inheritance: Autosomal dominant inheritance. Observed: 1 variant allele, 1 heterozygote.
Comment: This study involves interpretation of variants in research participants for the purpose of population health screening. Participant phenotype was not available at the time of variant classification. Additional details can be found in publication PMID: 35346344, PMCID: PMC8962531

Color Diagnostics, LLC DBA Color Health
Classification: Likely benign for Cardiomyopathy. Last evaluated: 2019-07-09. Review status: criteria provided, single submitter. Criteria: ACMG Guidelines, 2015. Collection method: clinical testing. Allele origin: germline.

NM_000257.4(MYH7):c.3882G>A (p.Lys1294=)

Gene: MYH7 (myosin heavy chain 7; minus strand). Cytogenetic location: 14q11.2.
Variant type: single nucleotide variant.
Coding change: c.3882G>A on transcript NM_000257.4 (MANE Select); coding-DNA position 3882, G replaced by A.
Protein change: p.Lys1294=; no amino-acid change (lysine 1294 retained).
Molecular consequence: synonymous variant.
Genome position (GRCh38, 1-based): chr14:23,419,267, C>T on the plus strand (G>A on the coding strand, the complement: MYH7 is on the minus strand). VCF-style: chr14-23419267-C-T. GRCh37 (hg19) VCF-style: chr14-23888476-C-T.
Identifiers: ClinVar variation 925073 (VCV000925073.4), dbSNP rs1892363435, ClinGen allele CA485620129.